The following is an entry in ClinVar:

ClinVar aggregate classification (germline): Uncertain significance (1 of 4 stars; one submission).

Conditions:
Myofibrillar myopathy 6. Identifiers: Orphanet 199340, MedGen C2751831, MONDO:0013061, OMIM 612954.
Dilated cardiomyopathy 1HH (CMD1HH). Identifiers: Orphanet 154, MedGen C3151293, MONDO:0013479, OMIM 613881.

Allele frequency attached by ClinVar (database versions not stated): TOPMed below 0.00001.

Submission:

Labcorp Genetics (formerly Invitae), Labcorp
Classification: Uncertain significance for Dilated cardiomyopathy 1HH; Myofibrillar myopathy 6. Last evaluated: 2025-11-27. Review status: criteria provided, single submitter. Criteria: Invitae Variant Classification Sherloc (09022015). Collection method: clinical testing. Allele origin: germline.
Comment: This sequence change replaces methionine, which is neutral and non-polar, with isoleucine, which is neutral and non-polar, at codon 10 of the BAG3 protein (p.Met10Ile). This variant is not present in population databases (gnomAD no frequency). This variant has not been reported in the literature in individuals affected with BAG3-related conditions. ClinVar contains an entry for this variant (Variation ID: 1441462). An algorithm developed to predict the effect of missense changes on protein structure and function (PolyPhen-2) suggests that this variant is likely to be tolerated. In summary, the available evidence is currently insufficient to determine the role of this variant in disease. Therefore, it has been classified as a Variant of Uncertain Significance.

NM_004281.4(BAG3):c.30G>T (p.Met10Ile)

Gene: BAG3 (BAG cochaperone 3; plus strand). Cytogenetic location: 10q26.11.
Variant type: single nucleotide variant.
Coding change: c.30G>T on transcript NM_004281.4 (MANE Select); coding-DNA position 30, G replaced by T.
Protein change: p.Met10Ile; replaces methionine 10 with isoleucine.
Molecular consequence: missense variant.
Genome position (GRCh38, 1-based): chr10:119,651,705, G>T. VCF-style: chr10-119651705-G-T. GRCh37 (hg19) VCF-style: chr10-121411217-G-T.
Other names: short protein forms M10I.
Identifiers: ClinVar variation 1441462 (VCV001441462.6), dbSNP rs1275338906, ClinGen allele CA378294027.